The following is an entry in ClinVar:

NM_000884.3(IMPDH2):c.1418C>T (p.Ala473Val)

Gene: IMPDH2 (inosine monophosphate dehydrogenase 2; minus strand). Cytogenetic location: 3p21.31.
Variant type: single nucleotide variant.
Coding change: c.1418C>T on transcript NM_000884.3 (MANE Select); coding-DNA position 1418, C replaced by T.
Protein change: p.Ala473Val; replaces alanine 473 with valine.
Molecular consequence: missense variant.
Genome position (GRCh38, 1-based): chr3:49,024,680, G>A on the plus strand (C>T on the coding strand, the complement: IMPDH2 is on the minus strand). VCF-style: chr3-49024680-G-A. GRCh37 (hg19) VCF-style: chr3-49062113-G-A.
Other names: c.1490C>T, p.Ala497Val (NM_001410759.1); c.1415C>T, p.Ala472Val (NM_001410760.1); c.1343C>T, p.Ala448Val (NM_001410761.1); short protein forms A448V, A472V, A473V, A497V.
Identifiers: ClinVar variation 3600818 (VCV003600818.1).

ClinVar aggregate classification (germline): Uncertain significance (1 of 4 stars; one submission).

Submission:

GeneDx
Classification: Uncertain significance. Last evaluated: 2024-07-22. Review status: criteria provided, single submitter. Criteria: GeneDx Variant Classification Process June 2021. Collection method: clinical testing. Allele origin: germline. Affected: yes.
Comment: Not observed at significant frequency in large population cohorts (gnomAD); In silico analysis indicates that this missense variant does not alter protein structure/function; Has not been previously published as pathogenic or benign to our knowledge